The following is an entry in ClinVar:

NM_000540.3(RYR1):c.5054G>A (p.Cys1685Tyr)

Gene: RYR1 (ryanodine receptor 1; plus strand). Cytogenetic location: 19q13.2.
Variant type: single nucleotide variant.
Coding change: c.5054G>A on transcript NM_000540.3 (MANE Select); coding-DNA position 5054, G replaced by A.
Protein change: p.Cys1685Tyr; replaces cysteine 1685 with tyrosine.
Molecular consequence: missense variant.
Genome position (GRCh38, 1-based): chr19:38,485,709, G>A. VCF-style: chr19-38485709-G-A. GRCh37 (hg19) VCF-style: chr19-38976349-G-A.
Other names: c.5054G>A, p.Cys1685Tyr (NM_001042723.2); short protein forms C1685Y.
Identifiers: ClinVar variation 2918149 (VCV002918149.3), dbSNP rs371686683, ClinGen allele CA308092986.
Genomic context (GRCh38, chr19:38,485,709, plus strand): 5'-CCCTGCGCCTCTACCGCGCTGTGTGCGCCCTGGGCAACAATCGCGTGGCGCACGCTCTGT[G>A]CAGCCACGTAGACCAAGCTCAGCTGCTGCACGCCCTGGAGGACGCGCACCTGCCAGGCCC-3'
Protein context (NP_000531.2, residues 1675-1695): LGNNRVAHAL[Cys1685Tyr]SHVDQAQLLH

ClinVar aggregate classification (germline): Conflicting classifications of pathogenicity. Review status: criteria provided, conflicting classifications (1 of 4 stars). 2 submissions from 2 submitters: Likely pathogenic (1); Uncertain significance (1). Last evaluated 2026-01-20.

Conditions:
RYR1-related disorder. Also called: RYR1-related condition; RYR1-related disorders. Identifiers: MedGen CN239331.

Allele frequency attached by ClinVar (database versions not stated): gnomAD 0.00001; TOPMed 0.00002; ESP Exome Variant Server 0.00008.

Submissions (2):

Labcorp Genetics (formerly Invitae), Labcorp
Classification: Likely pathogenic for RYR1-related disorder. Last evaluated: 2026-01-20. Review status: criteria provided, single submitter. Criteria: Invitae Variant Classification Sherloc (09022015). Collection method: clinical testing. Allele origin: germline.
Comment: This sequence change replaces cysteine, which is neutral and slightly polar, with tyrosine, which is neutral and polar, at codon 1685 of the RYR1 protein (p.Cys1685Tyr). This variant is not present in population databases (gnomAD no frequency). This variant has not been reported in the literature in individuals affected with RYR1-related conditions. ClinVar contains an entry for this variant (Variation ID: 2918149). Invitae Evidence Modeling of protein sequence and biophysical properties (such as structural, functional, and spatial information, amino acid conservation, physicochemical variation, residue mobility, and thermodynamic stability) indicates that this missense variant is expected to disrupt RYR1 protein function with a positive predictive value of 80%. This variant disrupts the p.Cys1685 amino acid residue in RYR1. Other variant(s) that disrupt this residue have been determined to be pathogenic (internal data). This suggests that this residue is clinically significant, and that variants that disrupt this residue are likely to be disease-causing. In summary, the currently available evidence indicates that the variant is pathogenic, but additional data are needed to prove that conclusively. Therefore, this variant has been classified as Likely Pathogenic.

GeneDx
Classification: Uncertain significance. Last evaluated: 2025-02-01. Review status: criteria provided, single submitter. Criteria: GeneDx Variant Classification Process June 2021. Collection method: clinical testing. Allele origin: germline. Affected: yes.
Comment: Not observed at significant frequency in large population cohorts (gnomAD); In silico analysis supports that this missense variant has a deleterious effect on protein structure/function; Has not been previously published as pathogenic or benign to our knowledge